The following is an entry in ClinVar:

NM_025114.4(CEP290):c.451C>T (p.Arg151Ter)

Gene: CEP290 (centrosomal protein 290; minus strand). Cytogenetic location: 12q21.32.
Variant type: single nucleotide variant.
Coding change: c.451C>T on transcript NM_025114.4 (MANE Select); coding-DNA position 451, C replaced by T.
Protein change: p.Arg151Ter; replaces arginine 151 with a stop codon.
Molecular consequence: nonsense.
Genome position (GRCh38, 1-based): chr12:88,131,209, G>A on the plus strand (C>T on the coding strand, the complement: CEP290 is on the minus strand). VCF-style: chr12-88131209-G-A. GRCh37 (hg19) VCF-style: chr12-88524986-G-A.
Other names: short protein forms R151*.
Identifiers: ClinVar variation 372761 (VCV000372761.27), dbSNP rs757641323, ClinGen allele CA6712782.
Genomic context (GRCh38, chr12:88,131,209, plus strand): 5'-TACTAAAATTTTTTACCTCTCTTCTTAATTTGCTGTTTTCATTTTCTGCCTCCTCATTTC[G>A]AAGAGCCAACTAAAATAGTAAAAAAAAAAAATAAATAAGAAGAAGATAAAATTCAGCAGT-3'

ClinVar aggregate classification (germline): Pathogenic/Likely pathogenic. Review status: criteria provided, multiple submitters, no conflicts (2 of 4 stars). 12 submissions from 12 submitters: Pathogenic (8); Likely pathogenic (2). 2 of the submissions do not count toward it. Last evaluated 2026-01-12.

Conditions:
Inborn genetic diseases. Identifiers: MedGen C0950123, MeSH D030342.
Meckel-Gruber syndrome. Also called: Dysencephalia splachnocystica; DYSENCEPHALIA SPLANCHNOCYSTICA; GRUBER SYNDROME. Identifiers: Orphanet 564, MedGen C0265215, MONDO:0018921.
Nephronophthisis. Also called: Juvenile Nephronophthisis. Identifiers: Orphanet 655, MedGen C0687120, MONDO:0019005, HP:0000090.
Joubert syndrome. Also called: JOUBERT-BOLTSHAUSER SYNDROME; Familial aplasia of the vermis. Identifiers: Orphanet 475, MedGen C5979921, MONDO:0018772.
Leber congenital amaurosis (LCA). Also called: Leber's amaurosis. Identifiers: Orphanet 65, MedGen C0339527, MeSH D057130, MONDO:0018998.
Retinal disorder. Also called: Retinopathy; Retinopathies; Retinal Diseases; Retinal disorders. Identifiers: MedGen C0035309, MONDO:0005283, HP:0000488.
CEP290-related disorder. Also called: CEP290-related condition; CEP290-related disorders. Identifiers: MedGen CN239314.
Joubert syndrome 5 (JBTS5). Identifiers: Orphanet 2318, MedGen C1857780, MONDO:0012432, OMIM 610188.
Senior-Loken syndrome 6 (SLSN6). Identifiers: Orphanet 3156, MedGen C1857779, MONDO:0012433, OMIM 610189.
Meckel syndrome, type 4 (MKS4). Also called: MECKEL-GRUBER SYNDROME, TYPE 4. Identifiers: Orphanet 564, MedGen C1970161, MONDO:0012626, OMIM 611134.
Leber congenital amaurosis 10 (LCA10). Identifiers: Orphanet 65, MedGen C1857821, MONDO:0012723, OMIM 611755.
Bardet-Biedl syndrome 14 (BBS14). Identifiers: Orphanet 110, MedGen C2673874, MONDO:0014442, OMIM 615991.

Allele frequency attached by ClinVar (database versions not stated): gnomAD 0.00001; ExAC 0.00004.

Submissions (12):

Labcorp Genetics (formerly Invitae), Labcorp
Classification: Pathogenic for Joubert syndrome; Meckel-Gruber syndrome; Nephronophthisis. Last evaluated: 2026-01-12. Review status: criteria provided, single submitter. Criteria: Invitae Variant Classification Sherloc (09022015). Collection method: clinical testing. Allele origin: germline.
Comment: This sequence change creates a premature translational stop signal (p.Arg151*) in the CEP290 gene. RNA analysis indicates that this premature translational stop signal induces altered splicing and likely results in a shortened protein product. The frequency data for this variant in the population databases is considered unreliable, as metrics indicate poor data quality at this position in the gnomAD database. This premature translational stop signal has been observed in individuals with retinal dystrophy (PMID: 20130272, 25356976, 28829391; internal data). It has also been observed to segregate with disease in related individuals. ClinVar contains an entry for this variant (Variation ID: 372761). Studies have shown that this premature translational stop signal results in skipping of exon 7 or exons 7-8, but is expected to preserve the integrity of the reading-frame (PMID: 20130272). For these reasons, this variant has been classified as Pathogenic.

Genetics Laboratory, Great Ormond Street Hospital NHS Foundation Trust, North Thames Genomic Laboratory Hub
Classification: Pathogenic for Retinal disorders. Last evaluated: 2025-10-29. Review status: criteria provided, single submitter. Criteria: ACGS Best Practice Guidelines for Variant Classification in Rare Disease 2024 v1.2. Collection method: clinical testing. Allele origin: germline. Affected: yes.
Comment: PM2_moderate, PVS1_very-strong, PM3_moderate

Ambry Genetics
Classification: Pathogenic for Inborn genetic diseases. Last evaluated: 2025-03-20. Review status: criteria provided, single submitter. Criteria: Ambry Variant Classification Scheme 2023. Collection method: clinical testing. Allele origin: germline.
Comment: The c.451C>T (p.R151*) alteration, located in exon 7 (coding exon 6) of the CEP290 gene, consists of a C to T substitution at nucleotide position 451. This changes the amino acid from an arginine (R) to a stop codon at amino acid position 151. This alteration is expected to result in loss of function by premature protein truncation or nonsense-mediated mRNA decay. Based on data from gnomAD, the T allele has an overall frequency of 0.001% (1/108296) total alleles studied. The highest observed frequency was 0.002% (1/49182) of European (non-Finnish) alleles. This variant has been identified in the homozygous state and/or in conjunction with other variant(s) in this same gene in individual(s) with features consistent with Leber congenital amaurosis and segregated with disease in at least one family (Huang, 2015; Roosing, 2017; Littink, 2010; external communication). RNA studies have demonstrated that this alteration results in transcripts predicted to lead to protein products with in-frame deletions of 18 or 25 amino acid(s); however, the exact functional impact of the deleted amino acid(s) is unknown at this time (Littink, 2010). Based on the available evidence, this alteration is classified as pathogenic.

Natera, Inc.
Classification: Pathogenic for Leber congenital amaurosis. Last evaluated: 2025-02-13. Review status: criteria provided, single submitter. Criteria: Natera Variant Classification Schema (03/2026). Collection method: clinical testing. Allele origin: germline.
Comment: The c.451C>T variant in CEP290 is a nonsense variant predicted to introduce a stop codon at amino acid 151. This variant is expected to result in nonsense mediated decay, truncation, or a dysfunctional protein product. This variant is rare in the general population with a frequency below the threshold expected for the associated phenotype(s). This variant has been observed in one or more individuals affected with the associated recessive disease, as either homozygous or compound heterozygous with a second variant (PMID: 30193310). Additionally, this variant has been observed to segregate in affected family members (PMID: 28829391). Given the available evidence, this variant is classified as Pathogenic.

Fulgent Genetics
Classification: Likely pathogenic for Joubert syndrome 5; Senior-Loken syndrome 6; Meckel syndrome, type 4; Leber congenital amaurosis 10; Bardet-Biedl syndrome 14. Last evaluated: 2024-05-02. Review status: criteria provided, single submitter. Criteria: ACMG Guidelines, 2015. Collection method: clinical testing. Allele origin: germline.

Baylor Genetics
Classification: Pathogenic for Bardet-Biedl syndrome 14. Last evaluated: 2024-02-20. Review status: criteria provided, single submitter. Criteria: ACMG Guidelines, 2015. Collection method: clinical testing. Allele origin: unknown.

Blueprint Genetics
Classification: Pathogenic for CEP290-related disorders. Last evaluated: 2023-06-15. Review status: criteria provided, single submitter. Criteria: ACMG Guidelines, 2015. Collection method: clinical testing. Allele origin: germline. Affected: yes. Observed: 5 variant alleles.

Victorian Clinical Genetics Services, Murdoch Childrens Research Institute
Classification: Pathogenic for Leber congenital amaurosis 10. Last evaluated: 2022-09-02. Review status: criteria provided, single submitter. Criteria: ACMG Guidelines, 2015. Collection method: clinical testing. Allele origin: germline. Inheritance: Autosomal recessive inheritance. Affected: yes.
Comment: Based on the classification scheme VCGS_Germline_v1.3.4, this variant is classified as Pathogenic. Following criteria are met: 0102 - Loss of function is a known mechanism of disease in this gene and is associated with Joubert syndrome 5 (MIM#610188), Leber congenital amaurosis 10 (MIM#611755), Meckel syndrome 4 (MIM#611134) and Senior-Loken syndrome 6 (MIM#610189). (I) 0106 - This gene is associated with autosomal recessive disease. (I) 0209 - Variant proven to affect splicing of the transcript with uncertain effect on protein sequence. RT-PCR experiments using patient cDNA have demonstrated that this variant results in in-frame skipping of either exon 7 (p.(Leu148_Glu165del)) or exon 7 and exon 8 (p.(Leu148_Lys172del)) (PMIDs: 20130272, 28829391). (SP) 0251 - This variant is heterozygous. (I) 0304 - Variant is present in gnomAD <0.01 for a recessive condition (v3: 1 heterozygote, 0 homozygotes). (SP) 0604 - Variant is not located in an established domain, motif, hotspot or informative constraint region. (I) 0801 - This variant has strong previous evidence of pathogenicity in unrelated individuals. This variant has been classified as likely pathogenic and pathogenic by multiple clinical diagnostic laboratories and has been reported as compound heterozygous in multiple individuals with Leber congenital amaurosis, early-onset severe retinal dystrophy or oligocone trichromacy (PMIDs: 20130272, 28829391, 25356976, 27208204). (SP) 1201 - Heterozygous variant detected in trans with a second pathogenic heterozygous variant (NM_025114.3(CEP290):c.2506G>T; p.(Glu836*)) in a recessive disease. (I) Legend: (SP) - Supporting pathogenic, (I) - Information, (SB) - Supporting benign

ARUP Laboratories, Molecular Genetics and Genomics, ARUP Laboratories
Classification: Likely pathogenic. Last evaluated: 2018-07-09. Review status: criteria provided, single submitter. Criteria: ARUP Molecular Germline Variant Investigation Process. Collection method: clinical testing. Allele origin: germline.
Comment: The CEP290 c.451C>T;p.Arg151Ter variant has been described in at least one individual with retinal dystrophy (Huang 2015) and one family with early onset severe retinal dystrophy and Leber congential amaurosis (Littink 2010). The variant is listed in the ClinVar database (Variation ID: 372761) and the dbSNP variant database (rs757641323) but is not listed in the general population-based databases (Exome Variant Server, Genome Aggregation Database). The variant introduces a premature termination codon, but at least one report shows that this variant leads to a skipping of exon 7 or exon 7 and 8, which leads to an in-frame product lacking a portion of a functional domain. Considering available information, this variant is classified as likely pathogenic. References: Huang XF et al. Genotype-phenotype correlation and mutation spectrum in a large cohort of patients with inherited retinal dystrophy revealed by next-generation sequencing. Genet Med. 2015 Apr;17(4):271-8. Littink KW et al. A novel nonsense mutation in CEP290 induces exon skipping and leads to a relatively mild retinal phenotype. Invest Ophthalmol Vis Sci. 2010 Jul;51(7):3646-52.

GeneDx
Classification: Pathogenic. Last evaluated: 2016-10-11. Review status: criteria provided, single submitter. Criteria: GeneDx Variant Classification (06012015). Collection method: clinical testing. Allele origin: germline. Affected: yes.
Comment: The R151X variant in the CEP290 gene has been reported previously in association with Leber congenital amaurosis, early-onset severe retinal dystrophy, and a nonspecified retinal dystrophy (Littink et al., 2010; Huang et al., 2015). This variant is predicted to cause loss of normal protein function either through protein truncation or nonsense-mediated mRNA decay. The R151X variant was not observed in approximately 5,800 individuals of European and African American ancestry in the NHLBI Exome Sequencing Project, indicating it is not a common benign variant in these populations. Based on currently available evidence, we interpret R151X as a pathogenic variant.

Clinical Genetics DNA and cytogenetics Diagnostics Lab, Erasmus MC, Erasmus Medical Center
Classification: Pathogenic. Review status: no assertion criteria provided. Collection method: clinical testing. Allele origin: germline. Affected: yes. Study: VKGL Data-share Consensus. Not counted in ClinVar's aggregate classification.

Joint Genome Diagnostic Labs from Nijmegen and Maastricht, Radboudumc and MUMC+
Classification: Pathogenic. Review status: no assertion criteria provided. Collection method: clinical testing. Allele origin: germline. Affected: yes. Study: VKGL Data-share Consensus. Not counted in ClinVar's aggregate classification.

Literature cited by the submitters: PubMed 20130272 (cited by 3 submitters); PubMed 25356976 (cited by 3 submitters); PubMed 28829391 (cited by 4 submitters); PubMed 30193310 (cited by Natera, Inc.); PubMed 27208204 (cited by Victorian Clinical Genetics Services, Murdoch Childrens Research Institute).